The following is an entry in ClinVar:

ClinVar aggregate classification (germline): Likely benign. Review status: criteria provided, single submitter (1 of 4 stars). 2 submissions from 2 submitters: Likely benign (1). 1 of the submissions does not count toward it. Last evaluated 2024-06-09.

Conditions:
COL11A1-related disorder. Also called: COL11A1-related disorders; COL11A1-related condition.

Allele frequency attached by ClinVar (database versions not stated): TOPMed below 0.00001; gnomAD exomes 0.00001.
gnomAD v4.1: 8 of 1,613,270 alleles (0.0005%); highest among the groups gnomAD compares: Non-Finnish European, 0.00068%; no homozygotes.

Submissions (2):

Labcorp Genetics (formerly Invitae), Labcorp
Classification: Likely benign. Last evaluated: 2024-06-09. Review status: criteria provided, single submitter. Criteria: Invitae Variant Classification Sherloc (09022015). Collection method: clinical testing. Allele origin: germline.

PreventionGenetics, part of Exact Sciences
Classification: Likely benign for COL11A1-related condition. Last evaluated: 2022-08-18. Review status: no assertion criteria provided. Collection method: clinical testing. Allele origin: germline. Not counted in ClinVar's aggregate classification.
Comment: This variant is classified as likely benign based on ACMG/AMP sequence variant interpretation guidelines (Richards et al. 2015 PMID: 25741868, with internal and published modifications).

NM_001854.4(COL11A1):c.474C>T (p.Asn158=)

Gene: COL11A1 (collagen type XI alpha 1 chain; minus strand). Cytogenetic location: 1p21.1.
Variant type: single nucleotide variant.
Coding change: c.474C>T on transcript NM_001854.4 (MANE Select); coding-DNA position 474, C replaced by T.
Protein change: p.Asn158=; no amino-acid change (asparagine 158 retained).
Molecular consequence: synonymous variant. On other transcripts: non-coding transcript variant (1).
Genome position (GRCh38, 1-based): chr1:103,078,672, G>A on the plus strand (C>T on the coding strand, the complement: COL11A1 is on the minus strand). VCF-style: chr1-103078672-G-A. GRCh37 (hg19) VCF-style: chr1-103544228-G-A.
Other names: c.474C>T, p.Asn158= (NM_001168249.1, NM_001190709.2, NM_080629.3 and 1 more transcripts).
Identifiers: ClinVar variation 3048559 (VCV003048559.4), dbSNP rs1672167542, ClinGen allele CA419207253.